The following is an entry in ClinVar:

NM_001127178.3(PIGG):c.1733_1734del (p.Trp578fs)

Gene: PIGG (phosphatidylinositol glycan anchor biosynthesis class G (EMM blood group); plus strand). Cytogenetic location: 4p16.3.
Variant type: Deletion.
Coding change: c.1733_1734del on transcript NM_001127178.3 (MANE Select); coding-DNA positions 1733 to 1734, 2 bases deleted (GG; older notation c.1733_1734delGG).
Protein change: p.Trp578fs; shifts the reading frame from tryptophan 578.
Molecular consequence: frameshift variant. On other transcripts: non-coding transcript variant (7).
Genome position (GRCh38, 1-based): chr4:523,577-523,578, GG deleted. VCF-style (leftmost placement, unchanged base first): chr4-523576-TGG-T. GRCh37 (hg19) VCF-style: chr4-517365-TGG-T.
Other names: c.1466_1467del, p.Trp489fs (NM_001289051.2, NM_001345986.2); c.1334_1335del, p.Trp445fs (NM_001289052.2); c.1442_1443del, p.Trp481fs (NM_001345987.2); c.704_705del, p.Trp235fs (NM_001345988.2); c.200_201del, p.Trp67fs (NM_001345990.2, NM_001345991.2); c.635_636del, p.Trp212fs (NM_001345994.2); c.1709_1710del, p.Trp570fs (NM_017733.5); short protein forms W445fs, W481fs, W570fs, W212fs, W235fs, W489fs, W578fs, W67fs.
Identifiers: ClinVar variation 1412317 (VCV001412317.6), dbSNP rs2108966214, ClinGen allele CA2573137503.

ClinVar aggregate classification (germline): Pathogenic (1 of 4 stars; one submission).

Conditions:
Intellectual disability, autosomal recessive 53 (NEDHSCA). Also called: GLYCOSYLPHOSPHATIDYLINOSITOL BIOSYNTHESIS DEFECT 13; Mental retardation, autosomal recessive 53; NEURODEVELOPMENTAL DISORDER WITH OR WITHOUT HYPOTONIA, SEIZURES, AND CEREBELLAR ATROPHY. Identifiers: Orphanet 488635, MedGen C4310794, MONDO:0014832, OMIM 616917.

Submission:

Labcorp Genetics (formerly Invitae), Labcorp
Classification: Pathogenic for Intellectual disability, autosomal recessive 53. Last evaluated: 2022-01-14. Review status: criteria provided, single submitter. Criteria: Invitae Variant Classification Sherloc (09022015). Collection method: clinical testing. Allele origin: germline.
Comment: This sequence change creates a premature translational stop signal (p.Trp578Leufs*24) in the PIGG gene. It is expected to result in an absent or disrupted protein product. Loss-of-function variants in PIGG are known to be pathogenic (PMID: 26996948, 28581210, 28771251). This variant is not present in population databases (gnomAD no frequency). This variant has not been reported in the literature in individuals affected with PIGG-related conditions. For these reasons, this variant has been classified as Pathogenic.

Literature cited by the submitters: PubMed 26996948; PubMed 28581210; PubMed 28771251.